The following is an entry in ClinVar:

NM_144997.7(FLCN):c.983_984del (p.Glu328fs)

Gene: FLCN (folliculin; minus strand). Cytogenetic location: 17p11.2.
Variant type: Microsatellite.
Coding change: c.983_984del on transcript NM_144997.7 (MANE Select); coding-DNA positions 983 to 984, 2 bases deleted (AG; older notation c.983_984delAG).
Protein change: p.Glu328fs; shifts the reading frame from glutamic acid 328.
Molecular consequence: frameshift variant.
Genome position (GRCh38, 1-based): chr17:17,219,097-17,219,098, CT deleted on the plus strand (AG on the coding strand, the reverse complement: FLCN is on the minus strand); deleting any 2 consecutive bases within chr17:17,219,097-17,219,100 gives the same sequence; the c. name uses the placement nearest the transcript's 3' end. VCF-style (leftmost placement, unchanged base first): chr17-17219096-ACT-A. GRCh37 (hg19) VCF-style: chr17-17122410-ACT-A.
Other names: c.1037_1038del, p.Glu346fs (NM_001353229.2); c.983_984del, p.Glu328fs (NM_001353230.2, NM_001353231.2); short protein forms E328fs, E346fs.
Identifiers: ClinVar variation 4718950 (VCV004718950.1).
Genomic context (GRCh38, chr17:17,219,096, plus strand): 5'-GGGACTTGAAGACTGGCAGCTTCCGGGGCTGCCAGCTCCCACAGCCTGAGAGAGAGGAGG[ACT>A]CTGCCGGGCCCTGGGTCAGCTCCCGCCCTTCTGTACTCTCTGGCAACACAGGGGCTTTCT-3'

ClinVar aggregate classification (germline): Pathogenic (1 of 4 stars; one submission).

Conditions:
Birt-Hogg-Dube syndrome. Also called: Birt Hogg Dubé syndrome. Identifiers: Orphanet 122, MedGen C0346010, MONDO:0800444.

Submission:

Labcorp Genetics (formerly Invitae), Labcorp
Classification: Pathogenic for Birt-Hogg-Dube syndrome. Last evaluated: 2025-05-05. Review status: criteria provided, single submitter. Criteria: Invitae Variant Classification Sherloc (09022015). Collection method: clinical testing. Allele origin: germline.
Comment: This sequence change creates a premature translational stop signal (p.Glu328Valfs*61) in the FLCN gene. It is expected to result in an absent or disrupted protein product. Loss-of-function variants in FLCN are known to be pathogenic (PMID: 15852235). This variant is not present in population databases (gnomAD no frequency). This variant has not been reported in the literature in individuals affected with FLCN-related conditions. For these reasons, this variant has been classified as Pathogenic.

Literature cited by the submitters: PubMed 15852235.